The following continues an entry in ClinVar:

NM_024675.4(PALB2):c.3256C>T (p.Arg1086Ter)

Gene: PALB2. ClinVar aggregate classification (germline): Pathogenic/Likely pathogenic. Pathogenic (25); Likely pathogenic (2).

Submissions 9 to 24 of 31:

Color Diagnostics, LLC DBA Color Health
Classification: Pathogenic for Hereditary cancer-predisposing syndrome. Last evaluated: 2025-06-03. Review status: criteria provided, single submitter. Criteria: ACMG Guidelines, 2015. Collection method: clinical testing. Allele origin: germline.
Comment: This variant changes 1 nucleotide in exon 12 of the PALB2 gene, creating a premature translation stop signal. This variant is expected to result in an absent or non-functional protein product. This variant has been reported in individuals affected with breast cancer (PMID: 26283626, 28724667, 29752822, 32566746), ovarian cancer (PMID 26720728) and pancreatic cancer (PMID: 19264984, 23561644, 25356972). This variant also has been detected in a breast cancer case-control meta-analysis in 7/60466 cases and 1/53461 unaffected individuals (PMID: 33471991Leiden Open Variation Database DB-ID PALB2_010200). This variant has been identified in 5/251482 chromosomes in the general population by the Genome Aggregation Database (gnomAD). Loss of PALB2 function is a known mechanism of disease. Based on the available evidence, this variant is classified as Pathogenic.

Ambry Genetics
Classification: Pathogenic for Hereditary cancer-predisposing syndrome. Last evaluated: 2025-04-30. Review status: criteria provided, single submitter. Criteria: Ambry Variant Classification Scheme 2023. Collection method: clinical testing. Allele origin: germline.
Comment: The p.R1086* pathogenic mutation (also known as c.3256C>T), located in coding exon 12 of the PALB2 gene, results from a C to T substitution at nucleotide position 3256. This changes the amino acid from an arginine to a stop codon within coding exon 12. This mutation has been reported in multiple unrelated families with breast, ovarian and pancreatic cancer histories (Jones S et al. Science. 2009 Apr;324:217; Grant RC et al. Hum. Genomics. 2013 Apr;7:11; Zhen DB et al. Genet. Med. 2015 Jul;17:569-77; Norquist BM et al. JAMA Oncol. 2016 Apr;2:482-90; Susswein LR et al. Genet. Med. 2016 Aug;18:823-32; Sun J et al. Clin. Cancer Res. 2017 Oct;23:6113-6119). In addition to the clinical data presented in the literature, this alteration is expected to result in loss of function by premature protein truncation or nonsense-mediated mRNA decay. As such, this alteration is interpreted as a disease-causing mutation.

Molecular Pathology, Peter Maccallum Cancer Centre
Classification: Pathogenic for Familial cancer of breast. Last evaluated: 2025-01-22. Review status: criteria provided, single submitter. Criteria: ACMG Guidelines, 2015. Collection method: clinical testing. Allele origin: germline. Inheritance: Autosomal dominant inheritance.

Fulgent Genetics
Classification: Pathogenic for Fanconi anemia complementation group N; Pancreatic cancer, susceptibility to, 3; Breast-ovarian cancer, familial, susceptibility to, 5. Last evaluated: 2024-03-19. Review status: criteria provided, single submitter. Criteria: ACMG Guidelines, 2015. Collection method: clinical testing. Allele origin: germline.

GeneDx
Classification: Pathogenic. Last evaluated: 2024-01-17. Review status: criteria provided, single submitter. Criteria: GeneDx Variant Classification Process June 2021. Collection method: clinical testing. Allele origin: germline. Affected: yes.
Comment: Nonsense variant predicted to result in protein truncation or nonsense mediated decay in a gene for which loss-of-function is a known mechanism of disease; Observed in individuals with a personal or family history consistent with pathogenic variants in this gene (PMID: 19264984, 23561644, 26720728, 26315354, 28825143); Not observed at significant frequency in large population cohorts (gnomAD); Truncating variants in this gene are considered pathogenic by a well-established clinical consortium and/or database; This variant is associated with the following publications: (PMID: 26283626, 26845104, 23935836, 28779002, 29922827, 19264984, 23561644, 25525159, 25356972, 21165770, 26315354, 24870022, 26720728, 26546047, 26681312, 28495237, 28736627, 20888394, 28825143, 29752822, 28724667, 30720863, 31263054, 31768816, 28418444, 31921681, 32068069, 32339256, 34426522, 32546565, 32566746, 30982232, 33169439, 32853339, 31619740, 34113003, 34917121, 33471991, 36278678, 35534704, 36243179, 36988593, 34949788, 36623239, 34439348)

Baylor Genetics
Classification: Pathogenic for Familial cancer of breast. Last evaluated: 2023-11-14. Review status: criteria provided, single submitter. Criteria: ACMG Guidelines, 2015. Collection method: clinical testing. Allele origin: unknown.

Blueprint Genetics
Classification: Pathogenic for PALB2-related disorders. Last evaluated: 2023-11-10. Review status: criteria provided, single submitter. Criteria: ACMG Guidelines, 2015. Collection method: clinical testing. Allele origin: germline. Affected: yes. Observed: 5 variant alleles.

Myriad Genetics, Inc.
Classification: Pathogenic for Familial cancer of breast. Last evaluated: 2023-09-14. Review status: criteria provided, single submitter. Criteria: Myriad Autosomal Dominant, Autosomal Recessive and X-Linked Classification Criteria (2023). Collection method: clinical testing. Allele origin: unknown.
Comment: This variant is considered pathogenic. This variant creates a termination codon and is predicted to result in premature protein truncation.

KCCC/NGS Laboratory, Kuwait Cancer Control Center
Classification: Pathogenic for Breast-ovarian cancer, familial, susceptibility to, 5. Last evaluated: 2023-07-07. Review status: criteria provided, single submitter. Criteria: ACMG Guidelines, 2015. Collection method: clinical testing. Allele origin: unknown. Affected: yes.
Comment: This sequence change creates a premature translational stop signal (p.Arg1086*) in the PALB2 gene. It is expected to result in an absent or disrupted protein product. This variant is not present in gnomAD (no frequency). This variant has been reported in individual(s) affected with pancreatic cancer (PMID: 19264984, 23561644, 25356972), breast cancer (PMID: 26283626, 26845104), and ovarian cancer (PMID: 26315354). ClinVar classifies this variant as Pathogenic, rated 2 stars, with 10 submissions, 10 publications (19264984, 23561644, 25356972, 26283626, 26315354 and 5 more) and no conflicts. Loss-of-function variants in PALB2 are known to be pathogenic (PMID: 17200668, 24136930, 25099575). Therefore, this variant has been classified as pathogenic.

Quest Diagnostics Nichols Institute San Juan Capistrano
Classification: Pathogenic. Last evaluated: 2023-05-02. Review status: criteria provided, single submitter. Criteria: Quest Diagnostics criteria. Collection method: clinical testing. Allele origin: unknown.
Comment: This nonsense variant causes the premature termination of PALB2 protein synthesis. The frequency of this variant in the general population, 0.000035 (4/113760 chromosomes), is consistent with pathogenicity. In the published literature, the variant has been reported in individuals with breast cancer (PMID: 26845104 (2016), 28779002 (2017), 29752822 (2018), 30720863 (2019), 31841383 (2020)), ovarian cancer (PMID: 26315354 (2015), 26720728 (2016)), prostate cancer (PMID: 32853339 (2021)), and pancreatic cancer (PMID: 23561644 (2013). Based on the available information, this variant is classified as pathogenic.

Laboratorio de Genetica e Diagnostico Molecular, Hospital Israelita Albert Einstein
Classification: Pathogenic for Familial cancer of breast. Last evaluated: 2023-01-27. Review status: criteria provided, single submitter. Criteria: ACMG Guidelines, 2015. Collection method: clinical testing. Allele origin: germline. Affected: yes. Observed: 2 variant alleles.
Comment: ACMG classification criteria: PVS1 very strong, PS4 strong, PM2 moderated

CHEO Genetics Diagnostic Laboratory, Children's Hospital of Eastern Ontario
Classification: Pathogenic for Breast and/or ovarian cancer. Last evaluated: 2022-12-12. Review status: criteria provided, single submitter. Criteria: ACMG Guidelines, 2015. Collection method: clinical testing. Allele origin: germline.

Women's Health and Genetics/Laboratory Corporation of America, LabCorp
Classification: Pathogenic for Malignant tumor of breast. Last evaluated: 2022-10-06. Review status: criteria provided, single submitter. Criteria: LabCorp Variant Classification Summary - May 2015. Collection method: clinical testing. Allele origin: germline.
Comment: Variant summary: PALB2 c.3256C>T (p.Arg1086X) results in a premature termination codon, predicted to cause a truncation of the encoded protein or absence of the protein due to nonsense mediated decay, which are commonly known mechanisms for disease. Truncations downstream of this position have been classified as pathogenic by our laboratory. The variant allele was found at a frequency of 2e-05 in 251482 control chromosomes (gnomAD). c.3256C>T has been reported in the literature in multiple individuals affected with various cancers, including breast/ovarian/pancreas/prostate/colon (e.g. Jones_2009, Grant_2013, Zhen_2015, Decker_2017, Yang_2020, Dorling_2021). The variant was reported in several affected individuals in a family (Grant_2013). Overall, these data indicate that the variant is very likely to be associated with disease. Funcational studies using a cell culture based homologous recombination assay demonstrated that the variant had complete loss of function, with similar activity seen in the empty vector control (Zhang_2021). Eleven ClinVar submitters have assessed the variant since 2014: two classified the variant as likely pathogenic, and nine as pathogenic. Based on the evidence outlined above, the variant was classified as pathogenic.

Department of Pathology and Laboratory Medicine, Sinai Health System
Classification: Pathogenic for Breast-ovarian cancer, familial, susceptibility to, 5. Last evaluated: 2022-05-03. Review status: criteria provided, single submitter. Criteria: ACMG Guidelines, 2015. Collection method: clinical testing. Allele origin: germline. Affected: yes.

Institute for Clinical Genetics, University Hospital TU Dresden, University Hospital TU Dresden
Classification: Pathogenic. Last evaluated: 2021-11-03. Review status: criteria provided, single submitter. Criteria: ACMG Guidelines, 2015. Collection method: clinical testing. Allele origin: germline.

Cancer Genomics Group, Japanese Foundation For Cancer Research
Classification: Likely pathogenic for Hereditary breast and ovarian cancer syndrome. Last evaluated: 2019-05-01. Review status: criteria provided, single submitter. Criteria: ACMG Guidelines, 2015. Collection method: research. Allele origin: germline. Affected: yes.